The following is an entry in ClinVar:

NM_001042424.3(NSD2):c.167G>A (p.Ser56Asn)

Gene: NSD2 (nuclear receptor binding SET domain protein 2; plus strand). Cytogenetic location: 4p16.3.
Variant type: single nucleotide variant.
Coding change: c.167G>A on transcript NM_001042424.3 (MANE Select); coding-DNA position 167, G replaced by A.
Protein change: p.Ser56Asn; replaces serine 56 with asparagine.
Molecular consequence: missense variant. On other transcripts: 5 prime UTR variant (2).
Genome position (GRCh38, 1-based): chr4:1,900,821, G>A. VCF-style: chr4-1900821-G-A. GRCh37 (hg19) VCF-style: chr4-1902548-G-A.
Other names: c.167G>A, p.Ser56Asn (NM_001440892.1, NM_001440893.1, NM_001440894.1 and 9 more transcripts); c.-640G>A (NM_001440899.1); c.-907G>A (NM_001440900.1); short protein forms S56N.
Identifiers: ClinVar variation 4887118 (VCV004887118.1).

ClinVar aggregate classification (germline): Uncertain significance (1 of 4 stars; one submission).

gnomAD v4.1: 1 of 1,614,102 alleles (0.000062%); highest among the groups gnomAD compares: Non-Finnish European, 0.000085%; no homozygotes.

Submission:

Women's Health and Genetics/Laboratory Corporation of America, LabCorp
Classification: Uncertain significance. Last evaluated: 2026-06-18. Review status: criteria provided, single submitter. Criteria: LabCorp Variant Classification Summary - May 2015. Collection method: clinical testing. Allele origin: germline.
Comment: Variant summary: NSD2 c.167G>A (p.Ser56Asn) results in a conservative amino acid change in the encoded protein sequence. Algorithms developed to predict the effect of missense changes on protein structure and function are either unavailable or do not agree on the potential impact of this missense change. The variant was absent in 251258 control chromosomes. The available data on variant occurrences in the general population are insufficient to allow any conclusion about variant significance. To our knowledge, no occurrence of c.167G>A in individuals affected with NSD2-related conditions and no experimental evidence demonstrating its impact on protein function have been reported. No submitters have cited clinical-significance assessments for this variant to ClinVar. Based on the evidence outlined above, the variant was classified as uncertain significance.